The following is an entry in ClinVar:

NM_000256.3(MYBPC3):c.2060_2063delinsGA (p.Ile687fs)

Gene: MYBPC3 (myosin binding protein C3; minus strand). Cytogenetic location: 11p11.2.
Variant type: Indel.
Coding change: c.2060_2063delinsGA on transcript NM_000256.3 (MANE Select); coding-DNA positions 2060 to 2063, TCAC replaced by GA.
Protein change: p.Ile687fs; shifts the reading frame from isoleucine 687.
Molecular consequence: frameshift variant.
Genome position (GRCh38, 1-based): chr11:47,339,655-47,339,658, GTGA replaced by TC on the plus strand (TCAC replaced by GA on the coding strand, the reverse complement: MYBPC3 is on the minus strand). VCF-style: chr11-47339655-GTGA-TC. GRCh37 (hg19) VCF-style: chr11-47361206-GTGA-TC.
Other names: short protein forms I687fs.
Identifiers: ClinVar variation 3895170 (VCV003895170.1).
Genomic context (GRCh38, chr11:47,339,655, plus strand): 5'-GCTGGTTCCACACACCCATCTTATAGATGGGGAGACTGAGGAGGGACCCACAGTACCTGC[GTGA>TC]TAGCCTTCTGCCAGATCACAGTGGGAGCAGGGTCCCCAGAGATAGGGACGTCCAGACGTA-3'

ClinVar aggregate classification (germline): Likely pathogenic (1 of 4 stars; one submission).

Conditions:
Cardiovascular phenotype. Identifiers: MedGen CN230736.

Submission:

Molecular Diagnostic Laboratory for Inherited Cardiovascular Disease, Montreal Heart Institute
Classification: Likely pathogenic for Cardiovascular phenotype. Last evaluated: 2023-11-24. Review status: criteria provided, single submitter. Criteria: ACMG Guidelines, 2015. Collection method: clinical testing. Allele origin: germline. Affected: yes.
Comment: PVS1, PM2